The following is an entry in ClinVar:

ClinVar aggregate classification (germline): Uncertain significance (1 of 4 stars; one submission).

Submission:

Labcorp Genetics (formerly Invitae), Labcorp
Classification: Uncertain significance. Last evaluated: 2025-10-05. Review status: criteria provided, single submitter. Criteria: Invitae Variant Classification Sherloc (09022015). Collection method: clinical testing. Allele origin: germline.
Comment: This sequence change replaces alanine, which is neutral and non-polar, with valine, which is neutral and non-polar, at codon 2055 of the KMT2B protein (p.Ala2055Val). This variant is not present in population databases (gnomAD no frequency). This variant has not been reported in the literature in individuals affected with KMT2B-related conditions. Invitae Evidence Modeling of protein sequence and biophysical properties (such as structural, functional, and spatial information, amino acid conservation, physicochemical variation, residue mobility, and thermodynamic stability) indicates that this missense variant is not expected to disrupt KMT2B protein function with a negative predictive value of 95%. In summary, the available evidence is currently insufficient to determine the role of this variant in disease. Therefore, it has been classified as a Variant of Uncertain Significance.

NM_014727.3(KMT2B):c.6164C>T (p.Ala2055Val)

Gene: KMT2B (lysine methyltransferase 2B; plus strand). Cytogenetic location: 19q13.12.
Variant type: single nucleotide variant.
Coding change: c.6164C>T on transcript NM_014727.3 (MANE Select); coding-DNA position 6164, C replaced by T.
Protein change: p.Ala2055Val; replaces alanine 2055 with valine.
Molecular consequence: missense variant.
Genome position (GRCh38, 1-based): chr19:35,732,713, C>T. VCF-style: chr19-35732713-C-T. GRCh37 (hg19) VCF-style: chr19-36223614-C-T.
Other names: short protein forms A2055V.
Identifiers: ClinVar variation 4774770 (VCV004774770.1).
Genomic context (GRCh38, chr19:35,732,713, plus strand): 5'-TCCACTTCCCTGTGACTGTGGTGTCCGCCCCTGGTCTGGCCCCCAGCGCTACCCCTGGAG[C>T]CCCCCGCATTGAACAGCTGGACGGCGTGGACGACGGCACTGACAGTGAGGCTGAGGCGGT-3'
Protein context (NP_055542.1, residues 2045-2065): PGLAPSATPG[Ala2055Val]PRIEQLDGVD